The following is an entry in ClinVar:

ClinVar aggregate classification (germline): Uncertain significance (1 of 4 stars; one submission).

gnomAD v4.1: 25 of 1,614,094 alleles (0.0015%); highest among the groups gnomAD compares: South Asian, 0.012%; no homozygotes.

Submission:

Labcorp Genetics (formerly Invitae), Labcorp
Classification: Uncertain significance. Last evaluated: 2022-08-21. Review status: criteria provided, single submitter. Criteria: Invitae Variant Classification Sherloc (09022015). Collection method: clinical testing. Allele origin: germline.
Comment: This sequence change replaces proline, which is neutral and non-polar, with threonine, which is neutral and polar, at codon 829 of the BMP1 protein (p.Pro829Thr). This variant is present in population databases (rs777738785, gnomAD 0.01%). This variant has not been reported in the literature in individuals affected with BMP1-related conditions. Algorithms developed to predict the effect of missense changes on protein structure and function are either unavailable or do not agree on the potential impact of this missense change (SIFT: "Deleterious"; PolyPhen-2: "Benign"; Align-GVGD: "Class C35"). In summary, the available evidence is currently insufficient to determine the role of this variant in disease. Therefore, it has been classified as a Variant of Uncertain Significance.

NM_006129.5(BMP1):c.2485C>A (p.Pro829Thr)

Gene: BMP1 (bone morphogenetic protein 1; plus strand). Cytogenetic location: 8p21.3.
Variant type: single nucleotide variant.
Coding change: c.2485C>A on transcript NM_006129.5 (MANE Select); coding-DNA position 2485, C replaced by A.
Protein change: p.Pro829Thr; replaces proline 829 with threonine.
Molecular consequence: missense variant. On other transcripts: non-coding transcript variant (1).
Genome position (GRCh38, 1-based): chr8:22,207,426, C>A. VCF-style: chr8-22207426-C-A. GRCh37 (hg19) VCF-style: chr8-22064939-C-A.
Other names: short protein forms P829T.
Identifiers: ClinVar variation 1948436 (VCV001948436.2), dbSNP rs777738785, ClinGen allele CA4665268.